The following is an entry in ClinVar:

NM_025137.4(SPG11):c.1142_1143del (p.Val381fs)

Gene: SPG11 (SPG11 vesicle trafficking associated, spatacsin; minus strand). Cytogenetic location: 15q21.1.
Variant type: Microsatellite.
Coding change: c.1142_1143del on transcript NM_025137.4 (MANE Select); coding-DNA positions 1142 to 1143, 2 bases deleted (TG; older notation c.1142_1143delTG).
Protein change: p.Val381fs; shifts the reading frame from valine 381.
Molecular consequence: frameshift variant.
Genome position (GRCh38, 1-based): chr15:44,651,804-44,651,805, CA deleted on the plus strand (TG on the coding strand, the reverse complement: SPG11 is on the minus strand); deleting any 2 consecutive bases within chr15:44,651,804-44,651,808 gives the same sequence; the c. name uses the placement nearest the transcript's 3' end. VCF-style (leftmost placement, unchanged base first): chr15-44651803-GCA-G. GRCh37 (hg19) VCF-style: chr15-44944001-GCA-G.
Other names: c.1142_1143del, p.Val381fs (NM_001160227.2); short protein forms V381fs.
Identifiers: ClinVar variation 1358965 (VCV001358965.6), dbSNP rs2141106935, ClinGen allele CA2575709100.
Genomic context (GRCh38, chr15:44,651,803, plus strand): 5'-CTTTCTGTAGAACATTATATTGCCCATGCATTATGTCCTGTGGAATGAAGGCCCAGCTCT[GCA>G]CACTTGTACTGTGGTTACCAGATTCAGGTGACTCCAAATGCAAAATATCCTGGAACCATG-3'

ClinVar aggregate classification (germline): Pathogenic (1 of 4 stars; one submission).

Conditions:
Hereditary spastic paraplegia 11. Also called: SPASTIC PARAPLEGIA, AUTOSOMAL RECESSIVE, COMPLICATED, WITH THIN CORPUS CALLOSUM; SPASTIC PARAPLEGIA, AUTOSOMAL RECESSIVE, WITH MENTAL IMPAIRMENT AND THIN CORPUS CALLOSUM; Spastic Paraplegia 11; Nakamura Osame syndrome; Autosomal recessive hereditary spastic paraplegia, mental impairment, and thin corpus callosum; Spastic paraplegia, mental retardation and thin corpus callosum. Identifiers: Orphanet 2822, MedGen C1858479, MONDO:0011445, OMIM 604360.

Submission:

Labcorp Genetics (formerly Invitae), Labcorp
Classification: Pathogenic for Hereditary spastic paraplegia 11. Last evaluated: 2020-11-05. Review status: criteria provided, single submitter. Criteria: Invitae Variant Classification Sherloc (09022015). Collection method: clinical testing. Allele origin: germline.
Comment: For these reasons, this variant has been classified as Pathogenic. This variant has not been reported in the literature in individuals with SPG11-related conditions. This variant is not present in population databases (ExAC no frequency). This sequence change creates a premature translational stop signal (p.Val381Alafs*16) in the SPG11 gene. It is expected to result in an absent or disrupted protein product. Loss-of-function variants in SPG11 are known to be pathogenic (PMID: 19105190, 20110243, 22154821).

Literature cited by the submitters: PubMed 19105190; PubMed 20110243; PubMed 22154821.